The following is an entry in ClinVar:

ClinVar aggregate classification (germline): Likely pathogenic (1 of 4 stars; one submission).

Conditions:
Primary ciliary dyskinesia. Also called: Ciliary dyskinesia. Identifiers: Orphanet 244, MedGen C0008780, MONDO:0016575, HP:0012265.

Submission:

Department of Human Genetics, Hannover Medical School
Classification: Likely pathogenic for Primary Ciliary Dyskinesia. Last evaluated: 2026-04-01. Review status: criteria provided, single submitter. Criteria: ACMG Guidelines, 2015. Collection method: research. Allele origin: germline. Affected: no.
Comment: Classification performed by HerediClassify using the following criteria:['PM2_supporting: Variant occures does not occur as homozygous in gnomAD.', 'PVS1_protein_very_strong: Transcript ENST00000242576 is predicted to undergo NMD.']

NM_080911.3(UNG):c.182_183insAGGAGGA (p.Pro62fs)

Gene: UNG (uracil DNA glycosylase; plus strand). Cytogenetic location: 12q24.11.
Variant type: Insertion.
Coding change: c.182_183insAGGAGGA on transcript NM_080911.3 (MANE Select); coding-DNA positions 182 to 183, AGGAGGA inserted.
Protein change: p.Pro62fs; shifts the reading frame from proline 62.
Molecular consequence: frameshift variant.
Genome position: GRCh38 VCF-style: chr12-109098481-C-CAGGAGGA. GRCh37 (hg19) VCF-style: chr12-109536286-C-CAGGAGGA.
Other names: c.155_156insAGGAGGA, p.Pro53fs (NM_003362.4); short protein forms P53fs, P62fs.
Identifiers: ClinVar variation 4880139 (VCV004880139.1).